The following is an entry in ClinVar:

NM_004782.4(SNAP29):c.466C>T (p.Gln156Ter)

Gene: SNAP29 (synaptosome associated protein 29; plus strand). Cytogenetic location: 22q11.21.
Variant type: single nucleotide variant.
Coding change: c.466C>T on transcript NM_004782.4 (MANE Select); coding-DNA position 466, C replaced by T.
Protein change: p.Gln156Ter; replaces glutamine 156 with a stop codon.
Molecular consequence: nonsense.
Genome position (GRCh38, 1-based): chr22:20,881,080, C>T. VCF-style: chr22-20881080-C-T. GRCh37 (hg19) VCF-style: chr22-21235368-C-T.
Other names: short protein forms Q156*.
Identifiers: ClinVar variation 2759269 (VCV002759269.3), dbSNP rs2518518071, ClinGen allele CA410758958.

ClinVar aggregate classification (germline): Pathogenic (1 of 4 stars; one submission).

Submission:

Labcorp Genetics (formerly Invitae), Labcorp
Classification: Pathogenic. Last evaluated: 2023-07-31. Review status: criteria provided, single submitter. Criteria: Invitae Variant Classification Sherloc (09022015). Collection method: clinical testing. Allele origin: germline.
Comment: This variant has not been reported in the literature in individuals affected with SNAP29-related conditions. For these reasons, this variant has been classified as Pathogenic. This variant is not present in population databases (gnomAD no frequency). This sequence change creates a premature translational stop signal (p.Gln156*) in the SNAP29 gene. It is expected to result in an absent or disrupted protein product. Loss-of-function variants in SNAP29 are known to be pathogenic (PMID: 15968592, 21073448).

Literature cited by the submitters: PubMed 15968592; PubMed 21073448.